The following is an entry in ClinVar:

ClinVar aggregate classification (germline): Likely benign (1 of 4 stars; one submission).

Conditions:
Meniere disease. Also called: Ménière's disease. Identifiers: MedGen C0025281, MONDO:0007972, OMIM 156000.

Submission:

Meniere Disease Neuroscience Research Program, Faculty of Medicine and Health, Kolling Institute, The University of Sydney
Classification: Likely benign for Meniere disease. Last evaluated: 2024-01-09. Review status: criteria provided, single submitter. Criteria: ACMG Guidelines, 2015. Collection method: research. Allele origin: germline. Affected: yes. Observed: 18 variant alleles.
Comment: The NC_000017.11:g.40363293G>A, is a missense variant in GJD3 gene which produces an amino acid change from a positively charged histidine to a bulky and hydrophobic tyrosine in the extracellular extreme of the connexon. This replacement would produce the loss of the electrostatic interactions that occur between histidine 175 and aspartic 178 in each of the six connexins conforming the homomeric connexon, altering the correct arrangement between two connexons to form the channel. The variant is part of an haplotype involved in Meniere’s Disease, composed by g.40356228C>T, g.40363058C>G, g.40363293G>A, g.40363294C>G and g.40363579G>T. The haplotype was found in 10 individuals with familial Meniere’s Disease, segregating in 3 of these families (PP1); and in another 8 individuals with sporadic Meniere’s Disease. GnomAD exomes allele frequency = 0.0213 is greater than 0.0001 (BS1); however, the frequency of the haplotype for the Iberian population in Spain is 0.0093. The variant was observed in healthy adults in gnomAD (BS2). The MetaRNN value of the variant is 0.00738 (BP4). In summary, this variant meets the criteria to be classified as likely benign based on the ACMG/AMP criteria applied: PP1,BS1,BS2,BP4.

NM_152219.4(GJD3):c.523C>T (p.His175Tyr)

Genes: GJD3 (gap junction protein delta 3; minus strand), GJD3-AS1 (GJD3 antisense RNA 1; plus strand). Cytogenetic location: 17q21.2.
Variant type: single nucleotide variant.
Coding change: c.523C>T on transcript NM_152219.4 (MANE Select); coding-DNA position 523, C replaced by T.
Protein change: p.His175Tyr; replaces histidine 175 with tyrosine.
Molecular consequence: missense variant. On other transcripts: non-coding transcript variant (1).
Genome position (GRCh38, 1-based): chr17:40,363,293, G>A on the plus strand (C>T on the coding strand, the complement: GJD3 is on the minus strand). VCF-style: chr17-40363293-G-A. GRCh37 (hg19) VCF-style: chr17-38519545-G-A.
Other names: short protein forms H175Y.
Identifiers: ClinVar variation 3387758 (VCV003387758.2).
Genomic context (GRCh38, chr17:40,363,293, plus strand): 5'-AATAGAAGAGCACGAAGACGGTCTTCTCGGTGGGCCGGCTCACGAAGCAGTCGACCGTGT[G>A]CGGGCAGGGCGGACCGGCGCACGCGAAGTGCGGGGCCACGCGGAAGCCGTAGAGCAGCGC-3'
Protein context (NP_689343.3, residues 165-185): HFACAGPPCP[His175Tyr]TVDCFVSRPT